The following is an entry in ClinVar:

ClinVar aggregate classification (germline): Likely benign (1 of 4 stars; one submission).

Submission:

CeGaT Center for Human Genetics Tuebingen
Classification: Likely benign. Last evaluated: 2025-06-01. Review status: criteria provided, single submitter. Criteria: CeGaT Center For Human Genetics Tuebingen Variant Classification Criteria Version 2. Collection method: clinical testing. Allele origin: germline. Affected: yes. Observed: 1 variant allele.
Comment: TNPO3: PM2:Supporting, BP4, BP7

NM_012470.4(TNPO3):c.495G>T (p.Arg165=)

Gene: TNPO3 (transportin 3; minus strand). Cytogenetic location: 7q32.1.
Variant type: single nucleotide variant.
Coding change: c.495G>T on transcript NM_012470.4 (MANE Select); coding-DNA position 495, G replaced by T.
Protein change: p.Arg165=; no amino-acid change (arginine 165 retained).
Molecular consequence: synonymous variant. On other transcripts: non-coding transcript variant (18).
Genome position (GRCh38, 1-based): chr7:129,015,036, C>A on the plus strand (G>T on the coding strand, the complement: TNPO3 is on the minus strand). VCF-style: chr7-129015036-C-A. GRCh37 (hg19) VCF-style: chr7-128655090-C-A.
Other names: c.495G>T, p.Arg165= (NM_001191028.3, NM_001382216.1, NM_001382218.1 and 5 more transcripts); c.576G>T, p.Arg192= (NM_001382217.1).
Identifiers: ClinVar variation 3906110 (VCV003906110.10).
Genomic context (GRCh38, chr7:129,015,036, plus strand): 5'-CACCAATAGAGATACTACTGTACTAGAGTAGAAGGCCAAATCTTCTATAATTTCTGTGCG[C>A]CGATTAGCTCCAATTCGTAAGGAACGACTATGTACTTCTTCAGGTAACACTGTAAGGATC-3'
Protein context (NP_036602.1, residues 155-175): HSRSLRIGAN[Arg165=]RTEIIEDLAF